The following is an entry in ClinVar:

ClinVar aggregate classification (germline): Uncertain significance (1 of 4 stars; one submission).

Conditions:
Neuropathy, hereditary sensory and autonomic, type 2A (HSAN2A). Also called: ACROOSTEOLYSIS, GIACCAI TYPE; ACROOSTEOLYSIS, NEUROGENIC; MORVAN DISEASE; NEUROPATHY, CONGENITAL SENSORY; NEUROPATHY, HEREDITARY SENSORY RADICULAR, AUTOSOMAL RECESSIVE; NEUROPATHY, HEREDITARY SENSORY, TYPE IIA. Identifiers: Orphanet 970, MedGen C2752089, MONDO:0024309, OMIM 201300.
Generalized epilepsy with febrile seizures plus, type 7 (GEFSP7). Also called: GEFS+, TYPE 7. Identifiers: Orphanet 36387, MedGen C2751778, MONDO:0013470, OMIM 613863.

gnomAD v4.1: 5 of 1,610,076 alleles (0.00031%); highest among the groups gnomAD compares: Non-Finnish European, 0.00042%; no homozygotes.

Submission:

Labcorp Genetics (formerly Invitae), Labcorp
Classification: Uncertain significance for Neuropathy, hereditary sensory and autonomic, type 2A; Generalized epilepsy with febrile seizures plus, type 7. Last evaluated: 2025-02-03. Review status: criteria provided, single submitter. Criteria: Invitae Variant Classification Sherloc (09022015). Collection method: clinical testing. Allele origin: germline.
Comment: This sequence change replaces glycine, which is neutral and non-polar, with aspartic acid, which is acidic and polar, at codon 230 of the SCN9A protein (p.Gly230Asp). This variant is not present in population databases (gnomAD no frequency). This variant has not been reported in the literature in individuals affected with SCN9A-related conditions. ClinVar contains an entry for this variant (Variation ID: 2937948). An algorithm developed to predict the effect of missense changes on protein structure and function (PolyPhen-2) suggests that this variant is likely to be disruptive. In summary, the available evidence is currently insufficient to determine the role of this variant in disease. Therefore, it has been classified as a Variant of Uncertain Significance.

NM_001365536.1(SCN9A):c.689G>A (p.Gly230Asp)

Gene: SCN9A (sodium voltage-gated channel alpha subunit 9; minus strand). Cytogenetic location: 2q24.3.
Variant type: single nucleotide variant.
Coding change: c.689G>A on transcript NM_001365536.1 (MANE Select); coding-DNA position 689, G replaced by A.
Protein change: p.Gly230Asp; replaces glycine 230 with aspartic acid.
Molecular consequence: missense variant.
Genome position (GRCh38, 1-based): chr2:166,303,302, C>T on the plus strand (G>A on the coding strand, the complement: SCN9A is on the minus strand). VCF-style: chr2-166303302-C-T. GRCh37 (hg19) VCF-style: chr2-167159812-C-T.
Other names: c.689G>A, p.Gly230Asp (NM_002977.4); short protein forms G230D.
Identifiers: ClinVar variation 2937948 (VCV002937948.3), dbSNP rs2468118765, ClinGen allele CA349093318.